The following is an entry in ClinVar:

ClinVar aggregate classification (germline): Uncertain significance. Review status: criteria provided, multiple submitters, no conflicts (2 of 4 stars). 5 submissions from 5 submitters: Uncertain significance (5). Last evaluated 2025-10-27.

Conditions:
ATP8B1-related disorder. Also called: ATP8B1-related condition; ATP8B1-related disorders.

Allele frequency attached by ClinVar (database versions not stated): gnomAD exomes 0.00005 and 0.00007; ExAC 0.00008; 1000 Genomes Project 30x 0.00016; gnomAD 0.00017 and 0.00019; TOPMed 0.00022; ESP Exome Variant Server 0.00023.
gnomAD v4.1: 100 of 1,614,100 alleles (0.0062%); highest among the groups gnomAD compares: African/African-American, 0.048%; no homozygotes.

Submissions (5):

PreventionGenetics, part of Exact Sciences
Classification: Uncertain significance for ATP8B1-related condition. Last evaluated: 2025-10-27. Review status: criteria provided, single submitter. Criteria: ACMG Guidelines, 2015. Collection method: clinical testing. Allele origin: germline.
Comment: The ATP8B1 c.2332G>A variant is predicted to result in the amino acid substitution p.Val778Ile. To our knowledge, this variant has not been reported in the literature. This variant is reported in 0.040% of alleles in individuals of African descent in gnomAD. At this time, the clinical significance of this variant is uncertain due to the absence of conclusive functional and genetic evidence.

Mayo Clinic Laboratories, Mayo Clinic
Classification: Uncertain significance. Last evaluated: 2024-12-24. Review status: criteria provided, single submitter. Criteria: ACMG Guidelines, 2015. Collection method: clinical testing. Allele origin: germline. Observed: 1 variant allele.
Comment: BP4_moderate, PM2_supporting

Labcorp Genetics (formerly Invitae), Labcorp
Classification: Uncertain significance. Last evaluated: 2024-10-15. Review status: criteria provided, single submitter. Criteria: Invitae Variant Classification Sherloc (09022015). Collection method: clinical testing. Allele origin: germline.
Comment: This sequence change replaces valine, which is neutral and non-polar, with isoleucine, which is neutral and non-polar, at codon 778 of the ATP8B1 protein (p.Val778Ile). This variant is present in population databases (rs34597611, gnomAD 0.04%). This variant has not been reported in the literature in individuals affected with ATP8B1-related conditions. ClinVar contains an entry for this variant (Variation ID: 502320). Invitae Evidence Modeling of protein sequence and biophysical properties (such as structural, functional, and spatial information, amino acid conservation, physicochemical variation, residue mobility, and thermodynamic stability) indicates that this missense variant is not expected to disrupt ATP8B1 protein function with a negative predictive value of 80%. In summary, the available evidence is currently insufficient to determine the role of this variant in disease. Therefore, it has been classified as a Variant of Uncertain Significance.

CeGaT Center for Human Genetics Tuebingen
Classification: Uncertain significance. Last evaluated: 2019-08-01. Review status: criteria provided, single submitter. Criteria: CeGaT Center For Human Genetics Tuebingen Variant Classification Criteria Version 2. Collection method: clinical testing. Allele origin: germline. Affected: yes. Observed: 1 variant allele.

Eurofins Ntd Llc (ga)
Classification: Uncertain significance. Last evaluated: 2018-08-27. Review status: criteria provided, single submitter. Criteria: EGL ClinVar v180209 classification definitions. Collection method: clinical testing. Allele origin: germline. Observed: 3 variant alleles, 3 heterozygotes.

NM_001374385.1(ATP8B1):c.2332G>A (p.Val778Ile)

Genes: ATP8B1-AS1 (ATP8B1 antisense RNA 1; plus strand), ATP8B1 (ATPase phospholipid transporting 8B1; minus strand). Cytogenetic location: 18q21.31.
Variant type: single nucleotide variant.
Coding change: c.2332G>A on transcript NM_001374385.1 (MANE Select); coding-DNA position 2332, G replaced by A.
Protein change: p.Val778Ile; replaces valine 778 with isoleucine.
Molecular consequence: missense variant.
Genome position (GRCh38, 1-based): chr18:57,662,569, C>T on the plus strand (G>A on the coding strand, the complement: ATP8B1 is on the minus strand). VCF-style: chr18-57662569-C-T. GRCh37 (hg19) VCF-style: chr18-55329801-C-T.
Other names: p.Val778Ile; c.2332G>A (NM_005603.4); c.2182G>A, p.Val728Ile (NM_001374386.1); c.2332G>A, p.Val778Ile (NM_005603.6); short protein forms V778I, V728I.
Identifiers: ClinVar variation 502320 (VCV000502320.48), dbSNP rs34597611, ClinGen allele CA8974281.